The following is an entry in ClinVar:

NM_007194.4(CHEK2):c.661_664dup (p.Met222fs)

Gene: CHEK2 (checkpoint kinase 2; minus strand). Cytogenetic location: 22q12.1.
Variant type: Duplication.
Coding change: c.661_664dup on transcript NM_007194.4 (MANE Select); coding-DNA positions 661 to 664, 4 bases duplicated (ATCA; older notation c.661_664dupATCA).
Protein change: p.Met222fs; shifts the reading frame from methionine 222.
Molecular consequence: frameshift variant. On other transcripts: initiator codon variant (2), intron variant (1).
Genome position (GRCh38, 1-based): chr22:28,719,414-28,719,417, TGAT duplicated on the plus strand (ATCA on the coding strand, the reverse complement: CHEK2 is on the minus strand). VCF-style (leftmost placement, unchanged base first): chr22-28719413-A-ATGAT. GRCh37 (hg19) VCF-style: chr22-29115401-A-ATGAT.
Other names: c.661_664dup (NM_007194.3); c.790_793dup, p.Met265fs (NM_001005735.3, NM_001438294.1); c.-3_1dup, p.Met1fs (NM_001257387.3, NM_001437942.1); c.754_757dup, p.Met253fs (NM_001438293.1, NM_001438295.1); c.661_664dup, p.Met222fs (NM_145862.3); c.482+5469_482+5472dup (NM_001349956.3); short protein forms M222fs, M1fs, M265fs, M253fs.
Identifiers: ClinVar variation 185552 (VCV000185552.25), dbSNP rs750616657, ClinGen allele CA192259.

ClinVar aggregate classification (germline): Pathogenic/Likely pathogenic. Review status: criteria provided, multiple submitters, no conflicts (2 of 4 stars). 8 submissions from 8 submitters: Pathogenic (7); Likely pathogenic (1). Last evaluated 2025-09-28.

Conditions:
Hereditary nonpolyposis colon cancer (HNPCC). Also called: Hereditary nonpolyposis colorectal cancer; Familial nonpolyposis colon cancer; Hereditary Nonpolyposis Colorectal Cancer Syndrome. Identifiers: Orphanet 443909, MedGen C1333990, MONDO:0018630. Disease mechanism: loss of function.
Hereditary cancer-predisposing syndrome. Also called: Hereditary neoplastic syndrome; Neoplastic Syndromes, Hereditary; Tumor predisposition; Hereditary Cancer Syndrome. Identifiers: Orphanet 140162, MedGen C0027672, MeSH D009386, MONDO:0015356.
Hereditary breast ovarian cancer syndrome. Also called: Hereditary breast and ovarian cancer syndrome (HBOC); Breast and ovarian cancer; Hereditary breast and/or ovarian cancer syndrome; BRCA1- and BRCA2-Associated Hereditary Breast and Ovarian Cancer; Hereditary breast and ovarian cancer syndrome; Hereditary breast and ovarian cancer. Identifiers: Orphanet 145, MedGen C0677776, MeSH D061325, MONDO:0003582. Disease mechanism: loss of function.
Familial cancer of breast. Also called: BREAST CANCER, FAMILIAL; Hereditary breast cancer; hereditary breast carcinoma. Identifiers: Orphanet 227535, MedGen C0346153, MONDO:0016419, OMIM 114480. Disease mechanism: loss of function.

Allele frequency attached by ClinVar (database versions not stated): gnomAD exomes below 0.00001 and 0.00002; ExAC 0.00003.

Submissions (8):

Labcorp Genetics (formerly Invitae), Labcorp
Classification: Pathogenic for Familial cancer of breast. Last evaluated: 2025-09-28. Review status: criteria provided, single submitter. Criteria: Invitae Variant Classification Sherloc (09022015). Collection method: clinical testing. Allele origin: germline.
Comment: This sequence change creates a premature translational stop signal (p.Met222Asnfs*24) in the CHEK2 gene. It is expected to result in an absent or disrupted protein product. Loss-of-function variants in CHEK2 are known to be pathogenic (PMID: 21876083, 24713400). This variant is present in population databases (rs750616657, gnomAD 0.01%). This variant has not been reported in the literature in individuals affected with CHEK2-related conditions. ClinVar contains an entry for this variant (Variation ID: 185552). For these reasons, this variant has been classified as Pathogenic.

Ambry Genetics
Classification: Pathogenic for Hereditary cancer-predisposing syndrome. Last evaluated: 2024-10-04. Review status: criteria provided, single submitter. Criteria: Ambry Variant Classification Scheme 2023. Collection method: clinical testing. Allele origin: germline.
Comment: The c.661_664dupATCA pathogenic mutation, located in coding exon 4 of the CHEK2 gene, results from a duplication of ATCA at nucleotide position 661, causing a translational frameshift with a predicted alternate stop codon (p.M222Nfs*24). One study detected this mutation in 0/3030 pancreatic cancer cases and 4/123136 population controls (Hu C et al. JAMA, 2018 06;319:2401-2409). This variant is considered to be rare based on population cohorts in the Genome Aggregation Database (gnomAD). In addition to the clinical data presented in the literature, this alteration is expected to result in loss of function by premature protein truncation or nonsense-mediated mRNA decay. As such, this alteration is interpreted as a disease-causing mutation.

Department of Pathology and Laboratory Medicine, Sinai Health System
Classification: Pathogenic for hereditary nonpolyposis colon cancer. Last evaluated: 2023-09-13. Review status: criteria provided, single submitter. Criteria: ACMG Guidelines, 2015. Collection method: clinical testing. Allele origin: germline.

Women's Health and Genetics/Laboratory Corporation of America, LabCorp
Classification: Pathogenic for Hereditary breast ovarian cancer syndrome. Last evaluated: 2023-08-21. Review status: criteria provided, single submitter. Criteria: LabCorp Variant Classification Summary - May 2015. Collection method: clinical testing. Allele origin: germline.
Comment: Variant summary: CHEK2 c.661_664dupATCA (p.Met222AsnfsX24) results in a premature termination codon, predicted to cause a truncation of the encoded protein or absence of the protein due to nonsense mediated decay, which are commonly known mechanisms for disease. The variant allele was found at a frequency of 1.8e-05 in 227996 control chromosomes. c.661_664dupATCA has been reported in the literature in an individual affected with Breast Cancer (Gomez-Flores-Ramos_2022). To our knowledge, no experimental evidence demonstrating an impact on protein function has been reported. The following publications have been ascertained in the context of this evaluation (PMID: 29922827, 35406420). Three submitters have cited clinical-significance assessments for this variant to ClinVar after 2014. All submitters classified the variant as pathogenic. Based on the evidence outlined above, the variant was classified as pathogenic.

Myriad Genetics, Inc.
Classification: Pathogenic for Familial cancer of breast. Last evaluated: 2023-06-26. Review status: criteria provided, single submitter. Criteria: Myriad Autosomal Dominant, Autosomal Recessive and X-Linked Classification Criteria (2023). Collection method: clinical testing. Allele origin: unknown.
Comment: This variant is considered pathogenic. This variant creates a frameshift predicted to result in premature protein truncation.

Quest Diagnostics Nichols Institute San Juan Capistrano
Classification: Pathogenic. Last evaluated: 2022-11-09. Review status: criteria provided, single submitter. Criteria: Quest Diagnostics criteria. Collection method: clinical testing. Allele origin: unknown.
Comment: This frameshift variant alters the translational reading frame of the CHEK2 mRNA and causes the premature termination of CHEK2 protein synthesis. The variant has not been reported in individuals with CHEK2-related diseases in the published literature. The frequency of this variant in the general population, 0.000126 (4/31670 chromosomes), is consistent with pathogenicity. Based on the available information, this variant is classified as pathogenic.

Baylor Genetics
Classification: Likely pathogenic for Familial cancer of breast. Last evaluated: 2021-04-06. Review status: criteria provided, single submitter. Criteria: ACMG Guidelines, 2015. Collection method: clinical testing. Allele origin: unknown.

Color Diagnostics, LLC DBA Color Health
Classification: Pathogenic for Hereditary cancer-predisposing syndrome. Last evaluated: 2019-07-22. Review status: criteria provided, single submitter. Criteria: ACMG Guidelines, 2015. Collection method: clinical testing. Allele origin: germline.
Comment: This variant inserts 4 nucleotides in exon 5 of the CHEK2 gene, creating a frameshift and premature translation stop signal. This variant is expected to result in an absent or non-functional protein product. Computational splicing tools suggest that this variant may not impact RNA splicing. To our knowledge, functional assays have not been performed for this variant nor has this variant been reported in individuals affected with hereditary cancer in the literature. This variant has been identified in 4/227996 chromosomes in the general population by the Genome Aggregation Database (gnomAD). Loss of CHEK2 function is a known mechanism of disease. Based on available evidence, this variant is classified as Pathogenic.

Literature cited by the submitters: PubMed 21876083 (cited by Labcorp Genetics (formerly Invitae), Labcorp); PubMed 24713400 (cited by Labcorp Genetics (formerly Invitae), Labcorp); PubMed 29922827 (cited by 3 submitters); PubMed 35406420 (cited by Women's Health and Genetics/Laboratory Corporation of America, LabCorp).